The following is an entry in ClinVar:

NM_198253.3(TERT):c.751G>T (p.Val251Phe)

Gene: TERT (telomerase reverse transcriptase; minus strand). Cytogenetic location: 5p15.33.
Variant type: single nucleotide variant.
Coding change: c.751G>T on transcript NM_198253.3 (MANE Select); coding-DNA position 751, G replaced by T.
Protein change: p.Val251Phe; replaces valine 251 with phenylalanine.
Molecular consequence: missense variant. On other transcripts: non-coding transcript variant (2).
Genome position (GRCh38, 1-based): chr5:1,294,135, C>A on the plus strand (G>T on the coding strand, the complement: TERT is on the minus strand). VCF-style: chr5-1294135-C-A. GRCh37 (hg19) VCF-style: chr5-1294250-C-A.
Other names: c.751G>T, p.Val251Phe (NM_001193376.3); short protein forms V251F.
Identifiers: ClinVar variation 840445 (VCV000840445.13), dbSNP rs776569822, ClinGen allele CA359056897.

ClinVar aggregate classification (germline): Uncertain significance. Review status: criteria provided, multiple submitters, no conflicts (2 of 4 stars). 2 submissions from 2 submitters: Uncertain significance (2). Last evaluated 2025-09-03.

Conditions:
Dyskeratosis congenita. Identifiers: Orphanet 1775, MedGen C0265965, MONDO:0015780.
Dyskeratosis congenita, autosomal dominant 2. Identifiers: MedGen C3151443, MONDO:0013521, OMIM 613989.
Idiopathic Pulmonary Fibrosis. Also called: Idiopathic fibrosing alveolitis, chronic form; idiopathic fibrosing alveolitis. Identifiers: Orphanet 2032, MedGen C1800706, MeSH D054990, MONDO:0800504.

Allele frequency attached by ClinVar (database versions not stated): gnomAD 0.00001.
gnomAD v4.1: 2 of 1,581,428 alleles (0.00013%); highest among the groups gnomAD compares: Admixed American, 0.0018%; no homozygotes.

Submissions (2):

Ambry Genetics
Classification: Uncertain significance for Dyskeratosis congenita. Last evaluated: 2025-09-03. Review status: criteria provided, single submitter. Criteria: Ambry Variant Classification Scheme 2023. Collection method: clinical testing. Allele origin: germline.
Comment: The p.V251F variant (also known as c.751G>T), located in coding exon 2 of the TERT gene, results from a G to T substitution at nucleotide position 751. The valine at codon 251 is replaced by phenylalanine, an amino acid with highly similar properties. This amino acid position is conserved. In addition, this alteration is predicted to be tolerated by in silico analysis. Based on the available evidence, the clinical significance of this variant remains unclear.

Labcorp Genetics (formerly Invitae), Labcorp
Classification: Uncertain significance for Dyskeratosis congenita, autosomal dominant 2; Idiopathic Pulmonary Fibrosis. Last evaluated: 2023-01-11. Review status: criteria provided, single submitter. Criteria: Invitae Variant Classification Sherloc (09022015). Collection method: clinical testing. Allele origin: germline.
Comment: In summary, the available evidence is currently insufficient to determine the role of this variant in disease. Therefore, it has been classified as a Variant of Uncertain Significance. Advanced modeling of protein sequence and biophysical properties (such as structural, functional, and spatial information, amino acid conservation, physicochemical variation, residue mobility, and thermodynamic stability) performed at Invitae indicates that this missense variant is not expected to disrupt TERT protein function. ClinVar contains an entry for this variant (Variation ID: 840445). This variant has not been reported in the literature in individuals affected with TERT-related conditions. This variant is not present in population databases (gnomAD no frequency). This sequence change replaces valine, which is neutral and non-polar, with phenylalanine, which is neutral and non-polar, at codon 251 of the TERT protein (p.Val251Phe).